The following is an entry in ClinVar:

ClinVar aggregate classification (germline): Uncertain significance (1 of 4 stars; one submission).

Submission:

Labcorp Genetics (formerly Invitae), Labcorp
Classification: Uncertain significance. Last evaluated: 2024-06-28. Review status: criteria provided, single submitter. Criteria: Invitae Variant Classification Sherloc (09022015). Collection method: clinical testing. Allele origin: germline.
Comment: This sequence change replaces phenylalanine, which is neutral and non-polar, with cysteine, which is neutral and slightly polar, at codon 58 of the RNASEH1 protein (p.Phe58Cys). This variant is not present in population databases (gnomAD no frequency). This variant has not been reported in the literature in individuals affected with RNASEH1-related conditions. Advanced modeling of protein sequence and biophysical properties (such as structural, functional, and spatial information, amino acid conservation, physicochemical variation, residue mobility, and thermodynamic stability) performed at Invitae indicates that this missense variant is expected to disrupt RNASEH1 protein function with a positive predictive value of 80%. In summary, the available evidence is currently insufficient to determine the role of this variant in disease. Therefore, it has been classified as a Variant of Uncertain Significance.

NM_002936.6(RNASEH1):c.173T>G (p.Phe58Cys)

Gene: RNASEH1 (ribonuclease H1; minus strand). Cytogenetic location: 2p25.3.
Variant type: single nucleotide variant.
Coding change: c.173T>G on transcript NM_002936.6 (MANE Select); coding-DNA position 173, T replaced by G.
Protein change: p.Phe58Cys; replaces phenylalanine 58 with cysteine.
Molecular consequence: missense variant. On other transcripts: 5 prime UTR variant (1), non-coding transcript variant (6).
Genome position (GRCh38, 1-based): chr2:3,556,860, A>C on the plus strand (T>G on the coding strand, the complement: RNASEH1 is on the minus strand). VCF-style: chr2-3556860-A-C. GRCh37 (hg19) VCF-style: chr2-3604450-A-C.
Other names: c.95T>G, p.Phe32Cys (NM_001286834.3); c.-179T>G (NM_001286837.3); c.173T>G, p.Phe58Cys (NM_001378271.1, NM_001378272.1, NM_001378273.1); short protein forms F32C, F58C.
Identifiers: ClinVar variation 3615403 (VCV003615403.2).
Genomic context (GRCh38, chr2:3,556,860, plus strand): 5'-TCCGGGCTTGCAGATTTCCTGACAAAGGCCCAGGCCTCATCCTCTGTGGCAAACTTCTTA[A>C]ATCTGGCAGCAGGAAACCGGTCCACCTGTGCTCTGCACTCATTCCTGGAAAAGATGTGCA-3'
Protein context (NP_002927.2, residues 48-68): AQVDRFPAAR[Phe58Cys]KKFATEDEAW